The following is an entry in ClinVar:

ClinVar aggregate classification (germline): Uncertain significance (1 of 4 stars; one submission).

Conditions:
Spastic paraplegia. Identifiers: MedGen C0037772, HP:0001258.

Allele frequency attached by ClinVar (database versions not stated): TOPMed 0.00001; ExAC 0.00002; gnomAD 0.00003.
gnomAD v4.1: 28 of 1,613,824 alleles (0.0017%); highest among the groups gnomAD compares: Admixed American, 0.0083%; no homozygotes.

Submission:

Labcorp Genetics (formerly Invitae), Labcorp
Classification: Uncertain significance for Spastic paraplegia. Last evaluated: 2021-10-07. Review status: criteria provided, single submitter. Criteria: Invitae Variant Classification Sherloc (09022015). Collection method: clinical testing. Allele origin: germline.
Comment: This sequence change replaces phenylalanine with leucine at codon 1984 of the ZFYVE26 protein (p.Phe1984Leu). The phenylalanine residue is highly conserved and there is a small physicochemical difference between phenylalanine and leucine. This variant is present in population databases (rs771261800, ExAC 0.02%). This variant has not been reported in the literature in individuals affected with ZFYVE26-related conditions. Algorithms developed to predict the effect of missense changes on protein structure and function are either unavailable or do not agree on the potential impact of this missense change (SIFT: "Deleterious"; PolyPhen-2: "Benign"; Align-GVGD: "Class C0"). In summary, the available evidence is currently insufficient to determine the role of this variant in disease. Therefore, it has been classified as a Variant of Uncertain Significance.

NM_015346.4(ZFYVE26):c.5952C>G (p.Phe1984Leu)

Gene: ZFYVE26 (zinc finger FYVE-type containing 26; minus strand). Cytogenetic location: 14q24.1.
Variant type: single nucleotide variant.
Coding change: c.5952C>G on transcript NM_015346.4 (MANE Select); coding-DNA position 5952, C replaced by G.
Protein change: p.Phe1984Leu; replaces phenylalanine 1984 with leucine.
Molecular consequence: missense variant.
Genome position (GRCh38, 1-based): chr14:67,766,286, G>C on the plus strand (C>G on the coding strand, the complement: ZFYVE26 is on the minus strand). VCF-style: chr14-67766286-G-C. GRCh37 (hg19) VCF-style: chr14-68233003-G-C.
Other names: short protein forms F1984L.
Identifiers: ClinVar variation 2164162 (VCV002164162.1), dbSNP rs771261800, ClinGen allele CA7239353.